The following is an entry in ClinVar:

NM_000350.3(ABCA4):c.4637del (p.Ser1545_Leu1546insTer)

Gene: ABCA4 (ATP binding cassette subfamily A member 4; minus strand). Cytogenetic location: 1p22.1.
Variant type: Deletion.
Coding change: c.4637del on transcript NM_000350.3 (MANE Select); coding-DNA position 4637, one base deleted (T; older notation c.4637delT).
Protein change: p.Ser1545_Leu1546insTer.
Molecular consequence: nonsense. On other transcripts: frameshift variant (1).
Genome position (GRCh38, 1-based): chr1:94,023,416, A deleted on the plus strand (T on the coding strand, the reverse complement: ABCA4 is on the minus strand); the first of 2 consecutive A bases (chr1:94,023,416-94,023,417); deleting either gives the same sequence. VCF-style (leftmost placement, unchanged base first): chr1-94023415-TA-T. GRCh37 (hg19) VCF-style: chr1-94488971-TA-T.
Other names: c.4414delT, p.Leu1472Terfs (NM_001425324.1).
Identifiers: ClinVar variation 2017429 (VCV002017429.4), dbSNP rs2523701167, ClinGen allele CA2580063573.

ClinVar aggregate classification (germline): Pathogenic (1 of 4 stars; one submission).

Submission:

Labcorp Genetics (formerly Invitae), Labcorp
Classification: Pathogenic. Last evaluated: 2022-07-15. Review status: criteria provided, single submitter. Criteria: Invitae Variant Classification Sherloc (09022015). Collection method: clinical testing. Allele origin: germline.
Comment: This sequence change creates a premature translational stop signal (p.Leu1546*) in the ABCA4 gene. It is expected to result in an absent or disrupted protein product. Loss-of-function variants in ABCA4 are known to be pathogenic (PMID: 10958761, 24938718, 25312043, 26780318). For these reasons, this variant has been classified as Pathogenic. This variant has not been reported in the literature in individuals affected with ABCA4-related conditions. This variant is not present in population databases (gnomAD no frequency).

Literature cited by the submitters: PubMed 10958761; PubMed 24938718; PubMed 25312043; PubMed 26780318.